The following is an entry in ClinVar:

NM_000827.4(GRIA1):c.1824-6C>G

Gene: GRIA1 (glutamate ionotropic receptor AMPA type subunit 1; plus strand). Cytogenetic location: 5q33.2.
Variant type: single nucleotide variant.
Coding change: c.1824-6C>G on transcript NM_000827.4 (MANE Select); 6 bases into the intron before coding-DNA position 1824, C replaced by G.
Molecular consequence: intron variant.
Genome position (GRCh38, 1-based): chr5:153,764,428, C>G. VCF-style: chr5-153764428-C-G. GRCh37 (hg19) VCF-style: chr5-153143988-C-G.
Other names: c.1851-6C>G (NM_001364166.2); c.1617-6C>G (NM_001364167.2, NM_001258023.1); c.1539-6C>G (NM_001258020.2); c.1824-6C>G (NM_001114183.2); c.1656-6C>G (NM_001364165.2); c.1584-6C>G (NM_001258019.2); c.1854-6C>G (NM_001258021.2, NM_001258022.2).
Identifiers: ClinVar variation 3057673 (VCV003057673.2), dbSNP rs775039270, ClinGen allele CA3524702.
Genomic context (GRCh38, chr5:153,764,428, plus strand): 5'-GTCCCTCCCCAGAGCTTTCCACAGTTGATGTCCATGCTGCTGATGCCTCTTCCCTTTGGC[C>G]TGCAGGTCCCTGTCTGGTCGCATCGTTGGTGGCGTCTGGTGGTTCTTCACCTTAATCATC-3'

ClinVar aggregate classification (germline): Likely benign (0 of 4 stars; one submission).

Conditions:
GRIA1-related disorder. Also called: GRIA1-related condition.

Allele frequency attached by ClinVar (database versions not stated): gnomAD exomes below 0.00001; ExAC 0.00002.
gnomAD v4.1: 3 of 1,612,024 alleles (0.00019%); highest among the groups gnomAD compares: Non-Finnish European, 0.00025%; no homozygotes.

Submission:

PreventionGenetics, part of Exact Sciences
Classification: Likely benign for GRIA1-related condition. Last evaluated: 2019-03-01. Review status: no assertion criteria provided. Collection method: clinical testing. Allele origin: germline.
Comment: This variant is classified as likely benign based on ACMG/AMP sequence variant interpretation guidelines (Richards et al. 2015 PMID: 25741868, with internal and published modifications).